The following is an entry in ClinVar:

ClinVar aggregate classification (germline): Uncertain significance (1 of 4 stars; one submission).

Conditions:
Familial cold autoinflammatory syndrome 2 (FCAS2). Identifiers: Orphanet 247868, MedGen C2673198, MONDO:0012724, OMIM 611762.

Allele frequency attached by ClinVar (database versions not stated): gnomAD 0.00005; ESP Exome Variant Server 0.00008; ExAC 0.00004; gnomAD exomes 0.00004.

Submission:

Labcorp Genetics (formerly Invitae), Labcorp
Classification: Uncertain significance for Familial cold autoinflammatory syndrome 2. Last evaluated: 2025-01-08. Review status: criteria provided, single submitter. Criteria: Invitae Variant Classification Sherloc (09022015). Collection method: clinical testing. Allele origin: germline.
Comment: This sequence change replaces glycine, which is neutral and non-polar, with arginine, which is basic and polar, at codon 65 of the NLRP12 protein (p.Gly65Arg). This variant is present in population databases (rs376902606, gnomAD 0.007%). This variant has not been reported in the literature in individuals affected with NLRP12-related conditions. ClinVar contains an entry for this variant (Variation ID: 2895303). Invitae Evidence Modeling of protein sequence and biophysical properties (such as structural, functional, and spatial information, amino acid conservation, physicochemical variation, residue mobility, and thermodynamic stability) has been performed for this missense variant. However, the output from this modeling did not meet the statistical confidence thresholds required to predict the impact of this variant on NLRP12 protein function. In summary, the available evidence is currently insufficient to determine the role of this variant in disease. Therefore, it has been classified as a Variant of Uncertain Significance.

NM_144687.4(NLRP12):c.193G>A (p.Gly65Arg)

Gene: NLRP12 (NLR family pyrin domain containing 12; minus strand). Cytogenetic location: 19q13.42.
Variant type: single nucleotide variant.
Coding change: c.193G>A on transcript NM_144687.4 (MANE Select); coding-DNA position 193, G replaced by A.
Protein change: p.Gly65Arg; replaces glycine 65 with arginine.
Molecular consequence: missense variant.
Genome position (GRCh38, 1-based): chr19:53,823,982, C>T on the plus strand (G>A on the coding strand, the complement: NLRP12 is on the minus strand). VCF-style: chr19-53823982-C-T. GRCh37 (hg19) VCF-style: chr19-54327236-C-T.
Other names: c.193G>A, p.Gly65Arg (NM_001277126.2, NM_001277129.1); short protein forms G65R.
Identifiers: ClinVar variation 2895303 (VCV002895303.3), dbSNP rs376902606, ClinGen allele CA9639816.